The following is an entry in ClinVar:

NM_006371.5(CRTAP):c.153_175dup (p.His59fs)

Gene: CRTAP (cartilage associated protein; plus strand). Cytogenetic location: 3p22.3.
Variant type: Duplication.
Coding change: c.153_175dup on transcript NM_006371.5 (MANE Select); coding-DNA positions 153 to 175, 23 bases duplicated (GCTGGACAAGTACAGCGGCGAGC).
Protein change: p.His59fs; shifts the reading frame from histidine 59.
Molecular consequence: frameshift variant.
Genome position (GRCh38, 1-based): chr3:33,114,230-33,114,252, GCTGGACAAGTACAGCGGCGAGC duplicated; duplicating any 23 consecutive bases within chr3:33,114,228-33,114,252 gives the same sequence; the c. name uses the placement nearest the transcript's 3' end. VCF-style (leftmost placement, unchanged base first): chr3-33114227-C-CGCGCTGGACAAGTACAGCGGCGA. GRCh37 (hg19) VCF-style: chr3-33155719-C-CGCGCTGGACAAGTACAGCGGCGA.
Other names: c.153_175dup, p.His59fs (NM_001393363.1, NM_001393364.1, NM_001393365.1); short protein forms H59fs.
Identifiers: ClinVar variation 1805264 (VCV001805264.3), dbSNP rs745763932, ClinGen allele CA2300210.
Genomic context (GRCh38, chr3:33,114,227, plus strand): 5'-CTACAGCTTCCGCAGCTTCCCACGGGACGAGCTGATGCCGCTCGAGTCGGCCTACCGGCA[C>CGCGCTGGACAAGTACAGCGGCGA]GCGCTGGACAAGTACAGCGGCGAGCACTGGGCCGAGAGCGTGGGCTACCTGGAGATCAGC-3'

ClinVar aggregate classification (germline): Pathogenic. Review status: criteria provided, multiple submitters, no conflicts (2 of 4 stars). 2 submissions from 2 submitters: Pathogenic (2). Last evaluated 2024-07-29.

Conditions:
Osteogenesis imperfecta type 7 (OI7). Also called: Osteogenesis imperfecta type 2B; OI type 2B; Osteogenesis imperfecta, perinatal lethal autosomal recessive; OI type IIB; OSTEOGENESIS IMPERFECTA, TYPE IIB; OI type 7. Identifiers: MedGen C1853162, MONDO:0012536, OMIM 610682.

Submissions (2):

Labcorp Genetics (formerly Invitae), Labcorp
Classification: Pathogenic for Osteogenesis imperfecta type 7. Last evaluated: 2024-07-29. Review status: criteria provided, single submitter. Criteria: Invitae Variant Classification Sherloc (09022015). Collection method: clinical testing. Allele origin: germline.
Comment: This sequence change creates a premature translational stop signal (p.His59Argfs*123) in the CRTAP gene. It is expected to result in an absent or disrupted protein product. Loss-of-function variants in CRTAP are known to be pathogenic (PMID: 17055431, 19862557, 24715559). This variant is present in population databases (rs745763932, gnomAD 0.004%). This variant has not been reported in the literature in individuals affected with CRTAP-related conditions. ClinVar contains an entry for this variant (Variation ID: 1805264). For these reasons, this variant has been classified as Pathogenic.

Victorian Clinical Genetics Services, Murdoch Childrens Research Institute
Classification: Pathogenic for Osteogenesis imperfecta type 7. Last evaluated: 2022-02-02. Review status: criteria provided, single submitter. Criteria: ACMG Guidelines, 2015. Collection method: clinical testing. Allele origin: germline. Inheritance: Autosomal recessive inheritance.
Comment: Based on the classification scheme VCGS_Germline_v1.3.4, this variant is classified as pathogenic. The following criteria are met: 0102 - Loss of function is a known mechanism of disease in this gene and is associated with osteogenesis imperfecta type VII (MIM#610682). (I) 0106 - This gene is associated with autosomal recessive disease. (I) 0201 - Variant is predicted to cause nonsense-mediated decay (NMD) and loss of protein (premature termination codon is located at least 54 nucleotides upstream of the final exon-exon junction). (SP) 0251 - This variant is heterozygous. (I) 0304 - Variant is present in gnomAD <0.01 for a recessive condition (v2) (1 heterozygote, 0 homozygotes). (SP) 0807 - This variant has no previous evidence of pathogenicity. (I) 0905 - No published segregation evidence has been identified for this variant. (I) 1007 - No published functional evidence has been identified for this variant. (I) 0701 - Other NMD-predicted variants comparable to the one identified in this case have very strong previous evidence for pathogenicity and has previously been reported in patients with osteogenesis imperfecta (ClinVar, PMID: 19550437). (SP) Legend: (SP) - Supporting pathogenic, (I) - Information, (SB) - Supporting benign

Literature cited by the submitters: PubMed 17055431 (cited by Labcorp Genetics (formerly Invitae), Labcorp); PubMed 19862557 (cited by Labcorp Genetics (formerly Invitae), Labcorp); PubMed 24715559 (cited by Labcorp Genetics (formerly Invitae), Labcorp); PubMed 19550437 (cited by Victorian Clinical Genetics Services, Murdoch Childrens Research Institute).